The following is an entry in ClinVar:

ClinVar aggregate classification (germline): Uncertain significance. Review status: criteria provided, multiple submitters, no conflicts (2 of 4 stars). 2 submissions from 2 submitters: Uncertain significance (2). Last evaluated 2023-11-14.

Conditions:
Mitochondrial hypertrophic cardiomyopathy with lactic acidosis due to MTO1 deficiency. Also called: CARDIOMYOPATHY, INFANTILE HYPERTROPHIC MITOCHONDRIAL, AND LACTIC ACIDOSIS; Combined oxidative phosphorylation deficiency 10. Identifiers: Orphanet 314637, MedGen C4749921, MONDO:0013865, OMIM 614702.

Allele frequency attached by ClinVar (database versions not stated): TOPMed 0.00001; gnomAD 0.00004; gnomAD exomes 0.00001.
gnomAD v4.1: 19 of 1,613,814 alleles (0.0012%); highest among the groups gnomAD compares: Non-Finnish European, 0.0015%; no homozygotes.

Submissions (2):

Mayo Clinic Laboratories, Mayo Clinic
Classification: Uncertain significance. Last evaluated: 2023-11-14. Review status: criteria provided, single submitter. Criteria: ACMG Guidelines, 2015. Collection method: clinical testing. Allele origin: germline. Observed: 1 variant allele.
Comment: PP3, PM2_moderate, PS4_moderate

Labcorp Genetics (formerly Invitae), Labcorp
Classification: Uncertain significance for Mitochondrial hypertrophic cardiomyopathy with lactic acidosis due to MTO1 deficiency. Last evaluated: 2022-07-12. Review status: criteria provided, single submitter. Criteria: Invitae Variant Classification Sherloc (09022015). Collection method: clinical testing. Allele origin: germline.
Comment: This sequence change replaces glycine, which is neutral and non-polar, with arginine, which is basic and polar, at codon 85 of the MTO1 protein (p.Gly85Arg). This variant is present in population databases (no rsID available, gnomAD 0.004%). This missense change has been observed in individual(s) with combined oxidative phosphorylation deficiency (PMID: 30369941). ClinVar contains an entry for this variant (Variation ID: 1018673). Algorithms developed to predict the effect of missense changes on protein structure and function are either unavailable or do not agree on the potential impact of this missense change (SIFT: "Deleterious"; PolyPhen-2: "Probably Damaging"; Align-GVGD: "Class C0"). Algorithms developed to predict the effect of sequence changes on RNA splicing suggest that this variant may create or strengthen a splice site. In summary, the available evidence is currently insufficient to determine the role of this variant in disease. Therefore, it has been classified as a Variant of Uncertain Significance.

Literature cited by the submitters: PubMed 29440775 (cited by Mayo Clinic Laboratories, Mayo Clinic); PubMed 30369941 (cited by Mayo Clinic Laboratories, Mayo Clinic and Labcorp Genetics (formerly Invitae), Labcorp).

NM_012123.4(MTO1):c.253G>A (p.Gly85Arg)

Gene: MTO1 (mitochondrial tRNA translation optimization 1; plus strand). Cytogenetic location: 6q13.
Variant type: single nucleotide variant.
Coding change: c.253G>A on transcript NM_012123.4 (MANE Select); coding-DNA position 253, G replaced by A.
Protein change: p.Gly85Arg; replaces glycine 85 with arginine.
Molecular consequence: missense variant.
Genome position (GRCh38, 1-based): chr6:73,466,244, G>A. VCF-style: chr6-73466244-G-A. GRCh37 (hg19) VCF-style: chr6-74175967-G-A.
Other names: p.Gly85Arg; c.253G>A, p.Gly85Arg (NM_001123226.2, NM_133645.3); short protein forms G85R.
Identifiers: ClinVar variation 1018673 (VCV001018673.5), dbSNP rs1054967842, ClinGen allele CA140951944.